The following is an entry in ClinVar:

NM_001083961.2(WDR62):c.1078_1079delinsAG (p.Pro360Arg)

Gene: WDR62 (WD repeat domain 62; plus strand). Cytogenetic location: 19q13.12.
Variant type: Indel.
Coding change: c.1078_1079delinsAG on transcript NM_001083961.2 (MANE Select); coding-DNA positions 1078 to 1079, CC replaced by AG.
Protein change: p.Pro360Arg; replaces proline 360 with arginine.
Molecular consequence: missense variant. On other transcripts: intron variant (1).
Genome position (GRCh38, 1-based): chr19:36,073,376-36,073,377, CC replaced by AG. VCF-style: chr19-36073376-CC-AG. GRCh37 (hg19) VCF-style: chr19-36564278-CC-AG.
Other names: c.1063_1064delinsAG, p.Pro355Arg (NM_001411145.1); c.1078_1079delinsAG, p.Pro360Arg (NM_001411146.1, NM_173636.5); c.882+5366_882+5367delinsAG (NM_001411147.1); c.1078_1079delinsAG (NM_001083961.1); short protein forms P355R, P360R.
Identifiers: ClinVar variation 3777080 (VCV003777080.1).
Genomic context (GRCh38, chr19:36,073,376, plus strand): 5'-ATTGATTACCCATGTGGCCTTGTTAGCTTCCTCTTCCACAGGAAGGCGGAAGCAGTCTAC[CC>AG]AGATACAGTGGCACTGACCTTCGACCCCATCCACCAGTGGCTGTCCTGCGTGTATAAGGA-3'
Protein context (NP_001077430.1, residues 350-370): LFHRKAEAVY[Pro360Arg]DTVALTFDPI

ClinVar aggregate classification (germline): Uncertain significance (1 of 4 stars; one submission).

Conditions:
Microcephaly 2, primary, autosomal recessive, with or without cortical malformations. Also called: WDR62 Primary Microcephaly; MICROCEPHALY 2, PRIMARY, AUTOSOMAL RECESSIVE, WITH CORTICAL MALFORMATIONS. Identifiers: Orphanet 2512, MedGen C1858535, MONDO:0011435, OMIM 604317.

Submission:

University of Washington Department of Laboratory Medicine, University of Washington
Classification: Uncertain significance for Microcephaly 2, primary, autosomal recessive, with or without cortical malformations. Last evaluated: 2023-11-30. Review status: criteria provided, single submitter. Criteria: ACMG Guidelines, 2015. Collection method: clinical testing. Allele origin: paternal. Affected: yes.
Comment: The p.Pro360Arg variant in the WDR62 gene has not been previously reported in association with disease and was absent from large population databases, including the Genome Aggregation Database. Using ACMG guidelines, this variant was classified as a variant of uncertain significance (ACMG evidence codes used: PM2_supporting).